The following is an entry in ClinVar:

ClinVar aggregate classification (germline): Uncertain significance. Review status: criteria provided, multiple submitters, no conflicts (2 of 4 stars). 2 submissions from 2 submitters: Uncertain significance (2). Last evaluated 2023-06-08.

Conditions:
Angelman syndrome-like. Identifiers: MedGen CN128785.
Developmental and epileptic encephalopathy, 2 (DEE2). Also called: INFANTILE SPASM SYNDROME, X-LINKED 2; CDKL5 deficiency disorder. Identifiers: Orphanet 1934, Orphanet 3451, Orphanet 505652, MedGen C4750718, MONDO:0010396, OMIM 300672.

Allele frequency attached by ClinVar (database versions not stated): gnomAD exomes below 0.00001; TOPMed 0.00001.
gnomAD v4.1: 3 of 1,182,758 alleles (0.00025%); highest among the groups gnomAD compares: African/African-American, 0.0017%; no homozygotes.

Submissions (2):

GeneDx
Classification: Uncertain significance. Last evaluated: 2023-06-08. Review status: criteria provided, single submitter. Criteria: GeneDx Variant Classification Process June 2021. Collection method: clinical testing. Allele origin: germline. Affected: yes.
Comment: Not observed at significant frequency in large population cohorts (gnomAD); In silico analysis supports that this missense variant does not alter protein structure/function; Has not been previously published as pathogenic or benign to our knowledge

Labcorp Genetics (formerly Invitae), Labcorp
Classification: Uncertain significance for Developmental and epileptic encephalopathy, 2; Angelman syndrome-like. Last evaluated: 2022-11-21. Review status: criteria provided, single submitter. Criteria: Invitae Variant Classification Sherloc (09022015). Collection method: clinical testing. Allele origin: germline.
Comment: This variant has not been reported in the literature in individuals affected with CDKL5-related conditions. This variant is not present in population databases (gnomAD no frequency). This sequence change replaces serine, which is neutral and polar, with asparagine, which is neutral and polar, at codon 268 of the CDKL5 protein (p.Ser268Asn). ClinVar contains an entry for this variant (Variation ID: 1309179). In summary, the available evidence is currently insufficient to determine the role of this variant in disease. Therefore, it has been classified as a Variant of Uncertain Significance. Algorithms developed to predict the effect of missense changes on protein structure and function (SIFT, PolyPhen-2, Align-GVGD) all suggest that this variant is likely to be tolerated.

NM_001323289.2(CDKL5):c.803G>A (p.Ser268Asn)

Gene: CDKL5 (cyclin dependent kinase like 5; plus strand). Cytogenetic location: Xp22.13.
Variant type: single nucleotide variant.
Coding change: c.803G>A on transcript NM_001323289.2 (MANE Select); coding-DNA position 803, G replaced by A.
Protein change: p.Ser268Asn; replaces serine 268 with asparagine.
Molecular consequence: missense variant.
Genome position (GRCh38, 1-based): chrX:18,595,406, G>A. VCF-style: chrX-18595406-G-A. GRCh37 (hg19) VCF-style: chrX-18613526-G-A.
Other names: c.803G>A, p.Ser268Asn (NM_001037343.2, NM_003159.3); short protein forms S268N.
Identifiers: ClinVar variation 1309179 (VCV001309179.6), dbSNP rs1925959502, ClinGen allele CA412355052.